The following is an entry in ClinVar:

NM_014425.5(INVS):c.469G>A (p.Ala157Thr)

Gene: INVS (inversin; plus strand). Cytogenetic location: 9q31.1.
Variant type: single nucleotide variant.
Coding change: c.469G>A on transcript NM_014425.5 (MANE Select); coding-DNA position 469, G replaced by A.
Protein change: p.Ala157Thr; replaces alanine 157 with threonine.
Molecular consequence: missense variant. On other transcripts: 5 prime UTR variant (1), non-coding transcript variant (1).
Genome position (GRCh38, 1-based): chr9:100,229,681, G>A. VCF-style: chr9-100229681-G-A. GRCh37 (hg19) VCF-style: chr9-102991963-G-A.
Other names: c.181G>A, p.Ala61Thr (NM_001318381.2); c.-521G>A (NM_001318382.2); short protein forms A157T, A61T.
Identifiers: ClinVar variation 967797 (VCV000967797.10), dbSNP rs1831445347, ClinGen allele CA374360362.

ClinVar aggregate classification (germline): Uncertain significance. Review status: criteria provided, multiple submitters, no conflicts (2 of 4 stars). 2 submissions from 2 submitters: Uncertain significance (2). Last evaluated 2024-03-20.

Conditions:
Nephronophthisis. Also called: Juvenile Nephronophthisis. Identifiers: Orphanet 655, MedGen C0687120, MONDO:0019005, HP:0000090.
Infantile nephronophthisis (NPHP2). Also called: Nephronophthisis 2, infantile; Nephronophthisis 2. Identifiers: Orphanet 655, Orphanet 93591, MedGen C1865872, MONDO:0011190, OMIM 602088.

Allele frequency attached by ClinVar (database versions not stated): TOPMed below 0.00001.

Submissions (2):

Fulgent Genetics
Classification: Uncertain significance for Infantile nephronophthisis. Last evaluated: 2024-03-20. Review status: criteria provided, single submitter. Criteria: ACMG Guidelines, 2015. Collection method: clinical testing. Allele origin: germline.

Labcorp Genetics (formerly Invitae), Labcorp
Classification: Uncertain significance for Nephronophthisis. Last evaluated: 2019-10-16. Review status: criteria provided, single submitter. Criteria: Invitae Variant Classification Sherloc (09022015). Collection method: clinical testing. Allele origin: germline.
Comment: This variant is not present in population databases (ExAC no frequency). This sequence change replaces alanine with threonine at codon 157 of the INVS protein (p.Ala157Thr). The alanine residue is highly conserved and there is a small physicochemical difference between alanine and threonine. This variant has not been reported in the literature in individuals with INVS-related conditions. Algorithms developed to predict the effect of missense changes on protein structure and function are either unavailable or do not agree on the potential impact of this missense change (SIFT: "Deleterious"; PolyPhen-2: "Probably Damaging"; Align-GVGD: "Class C0"). In summary, the available evidence is currently insufficient to determine the role of this variant in disease. Therefore, it has been classified as a Variant of Uncertain Significance.